The following is an entry in ClinVar:

NM_139027.6(ADAMTS13):c.1767G>A (p.Arg589=)

Gene: ADAMTS13 (ADAM metallopeptidase with thrombospondin type 1 motif 13; plus strand). Cytogenetic location: 9q34.2.
Variant type: single nucleotide variant.
Coding change: c.1767G>A on transcript NM_139027.6 (MANE Select); coding-DNA position 1767, G replaced by A.
Protein change: p.Arg589=; no amino-acid change (arginine 589 retained).
Molecular consequence: synonymous variant. On other transcripts: non-coding transcript variant (1).
Genome position (GRCh38, 1-based): chr9:133,439,427, G>A. VCF-style: chr9-133439427-G-A. GRCh37 (hg19) VCF-style: chr9-136304548-G-A.
Other names: p.Arg589=; c.1767G>A, p.Arg589= (NM_139025.5); c.1674G>A, p.Arg558= (NM_139026.6).
Identifiers: ClinVar variation 2070159 (VCV002070159.5), dbSNP rs372789831, ClinGen allele CA200931600.
Genomic context (GRCh38, chr9:133,439,427, plus strand): 5'-ATATGTCACGTTTCTGACAGTTACCCCCAACCTGACCAGTGTCTACATTGCCAACCACAG[G>A]CCTCTCTTCACACACTTGGGTGAGTTGACTGGAGGACTCCCACCCAGTTAGCTAGACTGC-3'
Protein context (NP_620596.2, residues 579-599): NLTSVYIANH[Arg589=]PLFTHLAVRI

ClinVar aggregate classification (germline): Likely benign. Review status: criteria provided, multiple submitters, no conflicts (2 of 4 stars). 2 submissions from 2 submitters: Likely benign (2). Last evaluated 2026-01-24.

Allele frequency attached by ClinVar (database versions not stated): ESP Exome Variant Server 0.00008; gnomAD 0.00011; TOPMed 0.00011.
gnomAD v4.1: 33 of 1,613,906 alleles (0.002%); highest among the groups gnomAD compares: African/African-American, 0.04%; no homozygotes.

Submissions (2):

Labcorp Genetics (formerly Invitae), Labcorp
Classification: Likely benign. Last evaluated: 2026-01-24. Review status: criteria provided, single submitter. Criteria: Invitae Variant Classification Sherloc (09022015). Collection method: clinical testing. Allele origin: germline.

Mayo Clinic Laboratories, Mayo Clinic
Classification: Likely benign. Last evaluated: 2025-01-20. Review status: criteria provided, single submitter. Criteria: ACMG Guidelines, 2015. Collection method: clinical testing. Allele origin: germline. Observed: 2 variant alleles.
Comment: BP4, BP7